The following is an entry in ClinVar:

NM_007294.4(BRCA1):c.134+2994G>C

Gene: BRCA1 (BRCA1 DNA repair associated; minus strand). Cytogenetic location: 17q21.31.
Variant type: single nucleotide variant.
Coding change: c.134+2994G>C on transcript NM_007294.4 (MANE Select); 2994 bases into the intron after coding-DNA position 134, G replaced by C.
Molecular consequence: intron variant.
Genome position (GRCh38, 1-based): chr17:43,112,732, C>G on the plus strand (G>C on the coding strand, the complement: BRCA1 is on the minus strand). VCF-style: chr17-43112732-C-G. GRCh37 (hg19) VCF-style: chr17-41264749-C-G.
Other names: c.-8+2994G>C (NM_001408458.1, NM_001408470.1, NM_001407848.1 and 47 more transcripts); c.-219+12545G>C (NM_001407967.1); c.-169-7776G>C (NM_001407959.1, NM_001407963.1); c.-7-6199G>C (NM_001407931.1, NM_001407747.1, NM_001408461.1 and 30 more transcripts); c.-170+2994G>C (NM_001407962.1, NM_001408512.1, NM_001408510.1 and 1 more transcripts); c.-55+2994G>C (NM_001407885.1, NM_001407886.1, NM_001408509.1 and 52 more transcripts); c.-123-2152G>C (NM_001407746.1, NM_001408468.1, NM_001407842.1 and 13 more transcripts); c.134+2994G>C (NM_001407686.1, NM_001408397.1, NM_001407632.1 and 191 more transcripts); and 9 more.
Identifiers: ClinVar variation 264823 (VCV000264823.2), dbSNP rs377611452, ClinGen allele CA10588248.

ClinVar aggregate classification (germline): Benign (3 of 4 stars; one submission).

Conditions:
Breast-ovarian cancer, familial, susceptibility to, 1 (BROVCA1). Also called: BRCA1 Hereditary Breast and Ovarian Cancer; OVARIAN CANCER, SUSCEPTIBILITY TO. Identifiers: Orphanet 145, MedGen C2676676, MONDO:0011450, OMIM 604370. Disease mechanism: loss of function.

Allele frequency attached by ClinVar (database versions not stated): gnomAD exomes 0.41667; gnomAD 0.43678; 1000 Genomes Project 0.47025; 1000 Genomes Project 30x 0.50172.
gnomAD v4.1: 68,145 of 151,712 alleles (45%); highest among the groups gnomAD compares: African/African-American, 68%; 17,015 homozygotes.

Submission:

Evidence-based Network for the Interpretation of Germline Mutant Alleles (ENIGMA)
Classification: Benign for Breast-ovarian cancer, familial, susceptibility to, 1. Last evaluated: 2016-09-28. Review status: reviewed by expert panel. Criteria: ENIGMA BRCA1/2 Classification Criteria (2015). Collection method: curation. Allele origin: germline.
Comment: Class 1 not pathogenic based on frequency >1% in an outbred sampleset. Frequency 0.3429 (European), 0.7065 (African), 0.3689 (Admixed American/Latino), 0.3343 (East Asian), 0.4939 (South Asian), derived from 1000 genomes (2013-05-02).